The following is an entry in ClinVar:

NM_013444.4(UBQLN2):c.1490C>T (p.Pro497Leu)

Gene: UBQLN2 (ubiquilin 2; plus strand). Cytogenetic location: Xp11.21.
Variant type: single nucleotide variant.
Coding change: c.1490C>T on transcript NM_013444.4 (MANE Select); coding-DNA position 1490, C replaced by T.
Protein change: p.Pro497Leu; replaces proline 497 with leucine.
Molecular consequence: missense variant.
Genome position (GRCh38, 1-based): chrX:56,565,363, C>T. VCF-style: chrX-56565363-C-T. GRCh37 (hg19) VCF-style: chrX-56591796-C-T.
Other names: short protein forms P497L.
Identifiers: ClinVar variation 157594 (VCV000157594.5), dbSNP rs387906709, ClinGen allele CA270965.
Genomic context (GRCh38, chrX:56,565,363, plus strand): 5'-CTCCAGGTGTGGGGGTGGGGGTGCTGGGAACCGCTATAGGCCCTGTAGGCCCAGTCACCC[C>T]CATAGGCCCCATAGGCCCTATAGTCCCTTTTACCCCCATAGGCCCCATTGGGCCCATAGG-3'
Protein context (NP_038472.2, residues 487-507): TAIGPVGPVT[Pro497Leu]IGPIGPIVPF

ClinVar aggregate classification (germline): Likely pathogenic. Review status: criteria provided, single submitter (1 of 4 stars). 2 submissions from 2 submitters: Likely pathogenic (1). 1 of the submissions does not count toward it. Last evaluated 2025-07-21.

Conditions:
Amyotrophic lateral sclerosis type 15. Also called: AMYOTROPHIC LATERAL SCLEROSIS 15 WITH FRONTOTEMPORAL DEMENTIA. Identifiers: Orphanet 803, MedGen C3275459, MONDO:0010459, OMIM 300857.

Submissions (2):

Labcorp Genetics (formerly Invitae), Labcorp
Classification: Likely pathogenic for Amyotrophic lateral sclerosis type 15. Last evaluated: 2025-07-21. Review status: criteria provided, single submitter. Criteria: Invitae Variant Classification Sherloc (09022015). Collection method: clinical testing. Allele origin: germline.
Comment: This sequence change replaces proline, which is neutral and non-polar, with leucine, which is neutral and non-polar, at codon 497 of the UBQLN2 protein (p.Pro497Leu). This variant is not present in population databases (gnomAD no frequency). This missense change has been observed in individuals with clinical features of amyotrophic lateral sclerosis (PMID: 24771548, 34544842; internal data). It has also been observed to segregate with disease in related individuals. ClinVar contains an entry for this variant (Variation ID: 157594). Experimental studies and prediction algorithms are not available or were not evaluated, and the functional significance of this variant is currently unknown. This variant disrupts the p.Pro497 amino acid residue in UBQLN2. Other variant(s) that disrupt this residue have been determined to be pathogenic (PMID: 21857683, 24215460, 25398946, 30348461). This suggests that this residue is clinically significant, and that variants that disrupt this residue are likely to be disease-causing. In summary, the currently available evidence indicates that the variant is pathogenic, but additional data are needed to prove that conclusively. Therefore, this variant has been classified as Likely Pathogenic.

OMIM
Classification: Pathogenic for AMYOTROPHIC LATERAL SCLEROSIS 15 WITH FRONTOTEMPORAL DEMENTIA. Last evaluated: 2014-05-01. Review status: no assertion criteria provided. Collection method: literature only. Allele origin: germline. Not counted in ClinVar's aggregate classification.

Literature cited by the submitters: PubMed 24771548 (cited by Labcorp Genetics (formerly Invitae), Labcorp and OMIM); PubMed 34544842 (cited by Labcorp Genetics (formerly Invitae), Labcorp); PubMed 21857683 (cited by Labcorp Genetics (formerly Invitae), Labcorp); PubMed 24215460 (cited by Labcorp Genetics (formerly Invitae), Labcorp); PubMed 25398946 (cited by Labcorp Genetics (formerly Invitae), Labcorp); PubMed 30348461 (cited by Labcorp Genetics (formerly Invitae), Labcorp); DeMyer, W., Harter, D. H., Zeman, W. Familial spasticity, hyperkinesia and dementia: clinicopathologic observations and comments on the nosology of Hallervorden-Spatz disease. Acta Neuropath. 4: 28-45, 1964. (cited by OMIM).